The following is an entry in ClinVar:

NM_000094.4(COL7A1):c.4010C>T (p.Pro1337Leu)

Gene: COL7A1 (collagen type VII alpha 1 chain; minus strand). Cytogenetic location: 3p21.31.
Variant type: single nucleotide variant.
Coding change: c.4010C>T on transcript NM_000094.4 (MANE Select); coding-DNA position 4010, C replaced by T.
Protein change: p.Pro1337Leu; replaces proline 1337 with leucine.
Molecular consequence: missense variant.
Genome position (GRCh38, 1-based): chr3:48,584,911, G>A on the plus strand (C>T on the coding strand, the complement: COL7A1 is on the minus strand). VCF-style: chr3-48584911-G-A. GRCh37 (hg19) VCF-style: chr3-48622344-G-A.
Other names: short protein forms P1337L.
Identifiers: ClinVar variation 3147801 (VCV003147801.3), dbSNP rs766577110, ClinGen allele CA2380289.

ClinVar aggregate classification (germline): Uncertain significance. Review status: criteria provided, multiple submitters, no conflicts (2 of 4 stars). 2 submissions from 2 submitters: Uncertain significance (2). Last evaluated 2024-10-16.

Conditions:
Inborn genetic diseases. Identifiers: MedGen C0950123, MeSH D030342.

Allele frequency attached by ClinVar (database versions not stated): gnomAD exomes 0.00001; TOPMed 0.00001; ExAC 0.00002.
gnomAD v4.1: 20 of 1,613,834 alleles (0.0012%); highest among the groups gnomAD compares: Middle Eastern, 0.016%; no homozygotes.

Submissions (2):

Labcorp Genetics (formerly Invitae), Labcorp
Classification: Uncertain significance. Last evaluated: 2024-10-16. Review status: criteria provided, single submitter. Criteria: Invitae Variant Classification Sherloc (09022015). Collection method: clinical testing. Allele origin: germline.
Comment: This sequence change replaces proline, which is neutral and non-polar, with leucine, which is neutral and non-polar, at codon 1337 of the COL7A1 protein (p.Pro1337Leu). This variant is present in population databases (rs766577110, gnomAD 0.009%). This variant has not been reported in the literature in individuals affected with COL7A1-related conditions. An algorithm developed to predict the effect of missense changes on protein structure and function outputs the following: PolyPhen-2: "Not Available". The leucine amino acid residue is found in multiple mammalian species, which suggests that this missense change does not adversely affect protein function. In summary, the available evidence is currently insufficient to determine the role of this variant in disease. Therefore, it has been classified as a Variant of Uncertain Significance.

Ambry Genetics
Classification: Uncertain significance for Inborn genetic diseases. Last evaluated: 2023-12-08. Review status: criteria provided, single submitter. Criteria: Ambry Variant Classification Scheme 2023. Collection method: clinical testing. Allele origin: germline.